The following is an entry in ClinVar:

ClinVar aggregate classification (germline): Conflicting classifications of pathogenicity. Review status: criteria provided, conflicting classifications (1 of 4 stars). 2 submissions from 2 submitters: Pathogenic (1); Uncertain significance (1). Last evaluated 2019-05-08.

Conditions:
Neurodevelopmental disorder with hypotonia, stereotypic hand movements, and impaired language. Also called: Intellectual disability, autosomal dominant 20. Identifiers: Orphanet 228384, Orphanet 664410, MedGen C3150700, MONDO:0013266, OMIM 613443.

Submissions (2):

Labcorp Genetics (formerly Invitae), Labcorp
Classification: Uncertain significance for Neurodevelopmental disorder with hypotonia, stereotypic hand movements, and impaired language. Last evaluated: 2019-05-08. Review status: criteria provided, single submitter. Criteria: Invitae Variant Classification Sherloc (09022015). Collection method: clinical testing. Allele origin: germline.
Comment: In summary, the available evidence is currently insufficient to determine the role of this variant in disease. Therefore, it has been classified as a Variant of Uncertain Significance. This variant has not been reported in the literature in individuals with MEF2C-related conditions. ClinVar contains an entry for this variant (Variation ID: 206137). This sequence change affects the initiator methionine of the MEF2C mRNA. The next in-frame methionine is located at codon 12. This variant is not present in population databases (ExAC no frequency).

Geisinger Autism and Developmental Medicine Institute, Geisinger Health System
Classification: Pathogenic for Neurodevelopmental disorder with hypotonia, stereotypic hand movements, and impaired language. Last evaluated: 2017-03-23. Review status: criteria provided, single submitter. Criteria: ACMG Guidelines, 2015. Collection method: provider interpretation, clinical testing. Allele origin: de novo. Affected: yes. Observed: 1 variant allele.
Comment: MEF2C deletions and loss-of-function variants are associated with severe intellectual disability, absent speech, hypotonia, and epilepsy. The variant is absent from population databases, and it has not been reported previously in another affected individual, to our knowledge. The variant alters the translation initiator codon, which has an unknown effect on the protein sequence. All protein translation may be completed prevented or an abnormal protein may be produced using an alternate Methionine.

Literature cited by the submitters: PubMed 19876902 (cited by Geisinger Autism and Developmental Medicine Institute, Geisinger Health System); PubMed 19592390 (cited by Geisinger Autism and Developmental Medicine Institute, Geisinger Health System); PubMed 20513142 (cited by Geisinger Autism and Developmental Medicine Institute, Geisinger Health System); PubMed 23001426 (cited by Geisinger Autism and Developmental Medicine Institute, Geisinger Health System).

NM_002397.5(MEF2C):c.3G>C (p.Met1Ile)

Gene: MEF2C (myocyte enhancer factor 2C; minus strand). Cytogenetic location: 5q14.3.
Variant type: single nucleotide variant.
Coding change: c.3G>C on transcript NM_002397.5 (MANE Select); coding-DNA position 3, G replaced by C.
Protein change: p.Met1Ile; changes the start codon (methionine 1).
Molecular consequence: missense variant, initiator codon variant.
Genome position (GRCh38, 1-based): chr5:88,823,786, C>G on the plus strand (G>C on the coding strand, the complement: MEF2C is on the minus strand). VCF-style: chr5-88823786-C-G. GRCh37 (hg19) VCF-style: chr5-88119603-C-G.
Other names: c.3G>C, p.Met1Ile (NM_001131005.2, NM_001193347.1, NM_001193348.1 and 29 more transcripts); short protein forms M1I.
Identifiers: ClinVar variation 206137 (VCV000206137.15), dbSNP rs1554150607, ClinGen allele CA315938.